The following is an entry in ClinVar:

NM_001031725.6(DDX59):c.511C>T (p.His171Tyr)

Gene: DDX59 (DEAD-box helicase 59; minus strand). Cytogenetic location: 1q32.1.
Variant type: single nucleotide variant.
Coding change: c.511C>T on transcript NM_001031725.6 (MANE Select); coding-DNA position 511, C replaced by T.
Protein change: p.His171Tyr; replaces histidine 171 with tyrosine.
Molecular consequence: missense variant.
Genome position (GRCh38, 1-based): chr1:200,666,230, G>A on the plus strand (C>T on the coding strand, the complement: DDX59 is on the minus strand). VCF-style: chr1-200666230-G-A. GRCh37 (hg19) VCF-style: chr1-200635358-G-A.
Other names: c.511C>T, p.His171Tyr (NM_001320181.2, NM_001320182.1, NM_001349799.3 and 5 more transcripts); short protein forms H171Y.
Identifiers: ClinVar variation 1472009 (VCV001472009.8), dbSNP rs149530427, ClinGen allele CA1318469.

ClinVar aggregate classification (germline): Uncertain significance. Review status: criteria provided, multiple submitters, no conflicts (2 of 4 stars). 4 submissions from 4 submitters: Uncertain significance (4). Last evaluated 2024-01-22.

Conditions:
Orofaciodigital syndrome V. Also called: OFDS V; ORAL-FACIAL-DIGITAL SYNDROME, TYPE V; OROFACIODIGITAL SYNDROME, THURSTON TYPE; THURSTON SYNDROME. Identifiers: Orphanet 2919, MedGen C1868118, MONDO:0008267, OMIM 174300.

Allele frequency attached by ClinVar (database versions not stated): gnomAD exomes 0.00089 and 0.00175; ExAC 0.00092; 1000 Genomes Project 0.00100; gnomAD 0.00101 and 0.00104; TOPMed 0.00107; 1000 Genomes Project 30x 0.00109; ESP Exome Variant Server 0.00146.
gnomAD v4.1: 2,694 of 1,614,208 alleles (0.17%); highest among the groups gnomAD compares: Non-Finnish European, 0.21%; 1 homozygote.

Submissions (4):

Labcorp Genetics (formerly Invitae), Labcorp
Classification: Uncertain significance. Last evaluated: 2024-01-22. Review status: criteria provided, single submitter. Criteria: Invitae Variant Classification Sherloc (09022015). Collection method: clinical testing. Allele origin: germline.
Comment: This sequence change replaces histidine, which is basic and polar, with tyrosine, which is neutral and polar, at codon 171 of the DDX59 protein (p.His171Tyr). This variant is present in population databases (rs149530427, gnomAD 0.2%), and has an allele count higher than expected for a pathogenic variant. This variant has not been reported in the literature in individuals affected with DDX59-related conditions. ClinVar contains an entry for this variant (Variation ID: 1472009). Advanced modeling of protein sequence and biophysical properties (such as structural, functional, and spatial information, amino acid conservation, physicochemical variation, residue mobility, and thermodynamic stability) performed at Invitae indicates that this missense variant is not expected to disrupt DDX59 protein function with a negative predictive value of 80%. In summary, the available evidence is currently insufficient to determine the role of this variant in disease. Therefore, it has been classified as a Variant of Uncertain Significance.

Department of Pathology and Laboratory Medicine, Sinai Health System
Classification: Uncertain significance for orofaciodigital syndrome V. Last evaluated: 2023-04-06. Review status: criteria provided, single submitter. Criteria: ACMG Guidelines, 2015. Collection method: research. Allele origin: germline.

GeneDx
Classification: Uncertain significance. Last evaluated: 2022-03-24. Review status: criteria provided, single submitter. Criteria: GeneDx Variant Classification Process June 2021. Collection method: clinical testing. Allele origin: germline. Affected: yes.
Comment: In silico analysis supports that this missense variant has a deleterious effect on protein structure/function; Has not been previously published as pathogenic or benign to our knowledge

Breakthrough Genomics
Classification: Uncertain significance. Review status: criteria provided, single submitter. Criteria: ACMG Guidelines, 2015. Collection method: not provided. Allele origin: germline. Inheritance: Autosomal recessive inheritance. Affected: yes.